The following is an entry in ClinVar:

ClinVar aggregate classification (germline): Uncertain significance. Review status: criteria provided, multiple submitters, no conflicts (2 of 4 stars). 2 submissions from 2 submitters: Uncertain significance (2). Last evaluated 2025-12-26.

Conditions:
Hereditary cancer-predisposing syndrome. Also called: Tumor predisposition; Hereditary Cancer Syndrome; Hereditary neoplastic syndrome; Neoplastic Syndromes, Hereditary. Identifiers: Orphanet 140162, MedGen C0027672, MeSH D009386, MONDO:0015356.
Retinoblastoma (RB1). Also called: RETINOBLASTOMA, SOMATIC. Identifiers: Orphanet 790, MedGen C0035335, MeSH D012175, MONDO:0008380, OMIM 180200, HP:0009919. Disease mechanism: loss of function. Inheritance: Both sporadic and heritable forms are tested..

gnomAD v4.1: 5 of 1,570,590 alleles (0.00032%); highest among the groups gnomAD compares: Non-Finnish European, 0.00035%; no homozygotes.

Submissions (2):

Ambry Genetics
Classification: Uncertain significance for Hereditary cancer-predisposing syndrome. Last evaluated: 2025-12-26. Review status: criteria provided, single submitter. Criteria: Ambry Variant Classification Scheme 2023. Collection method: clinical testing. Allele origin: germline.
Comment: The p.S302C variant (also known as c.905C>G), located in coding exon 9 of the RB1 gene, results from a C to G substitution at nucleotide position 905. The serine at codon 302 is replaced by cysteine, an amino acid with dissimilar properties. This amino acid position is conserved. In addition, the in silico prediction for this alteration is inconclusive. Based on the available evidence, the clinical significance of this variant remains unclear.

Labcorp Genetics (formerly Invitae), Labcorp
Classification: Uncertain significance for Retinoblastoma. Last evaluated: 2022-10-20. Review status: criteria provided, single submitter. Criteria: Invitae Variant Classification Sherloc (09022015). Collection method: clinical testing. Allele origin: germline.
Comment: In summary, the available evidence is currently insufficient to determine the role of this variant in disease. Therefore, it has been classified as a Variant of Uncertain Significance. Advanced modeling of protein sequence and biophysical properties (such as structural, functional, and spatial information, amino acid conservation, physicochemical variation, residue mobility, and thermodynamic stability) performed at Invitae indicates that this missense variant is expected to disrupt RB1 protein function. This sequence change replaces serine, which is neutral and polar, with cysteine, which is neutral and slightly polar, at codon 302 of the RB1 protein (p.Ser302Cys). This variant is not present in population databases (gnomAD no frequency). This variant has not been reported in the literature in individuals affected with RB1-related conditions.

NM_000321.3(RB1):c.905C>G (p.Ser302Cys)

Gene: RB1 (RB transcriptional corepressor 1; plus strand). Cytogenetic location: 13q14.2.
Variant type: single nucleotide variant.
Coding change: c.905C>G on transcript NM_000321.3 (MANE Select); coding-DNA position 905, C replaced by G.
Protein change: p.Ser302Cys; replaces serine 302 with cysteine.
Molecular consequence: missense variant.
Genome position (GRCh38, 1-based): chr13:48,364,937, C>G. VCF-style: chr13-48364937-C-G. GRCh37 (hg19) VCF-style: chr13-48939073-C-G.
Other names: c.905C>G, p.Ser302Cys (NM_001407165.1, NM_001407166.1); short protein forms S302C.
Identifiers: ClinVar variation 1919782 (VCV001919782.6), dbSNP rs1208736713, ClinGen allele CA388159995.
Genomic context (GRCh38, chr13:48,364,937, plus strand): 5'-AACTTCATCTTTTTCAGGTGAAAAATGTTTATTTCAAAAATTTTATACCTTTTATGAATT[C>G]TCTTGGACTTGTAACATCTAATGGACTTCCAGAGGTAATCTGAAAGGAAATTTAATAAAA-3'
Protein context (NP_000312.2, residues 292-312): YFKNFIPFMN[Ser302Cys]LGLVTSNGLP